The following is an entry in ClinVar:

NM_000610.4(CD44):c.2024+633G>A

Gene: CD44 (CD44 molecule (IN blood group); plus strand). Cytogenetic location: 11p13.
Variant type: single nucleotide variant.
Coding change: c.2024+633G>A on transcript NM_000610.4 (MANE Select); 633 bases into the intron after coding-DNA position 2024, G replaced by A.
Molecular consequence: intron variant.
Genome position (GRCh38, 1-based): chr11:35,222,365, G>A. VCF-style: chr11-35222365-G-A. GRCh37 (hg19) VCF-style: chr11-35243912-G-A.
Other names: c.1895+633G>A (NM_001001389.2); c.1277+633G>A (NM_001001390.2); c.1085+633G>A (NM_001202555.2); c.881+633G>A (NM_001001391.2); c.818+633G>A (NM_001202556.2); c.261+633G>A (NM_001001392.2); c.882-10G>A (NM_001202557.2).
Identifiers: ClinVar variation 626078 (VCV000626078.3), dbSNP rs576812636, ClinGen allele CA220494271.

ClinVar aggregate classification (germline): Uncertain significance (1 of 4 stars; one submission).

Conditions:
Blood group, Indian system (IN). Identifiers: MedGen C1292298, OMIM 609027.

Allele frequency attached by ClinVar (database versions not stated): gnomAD 0.00053 and 0.00048; gnomAD exomes 0.00006 and 0.00012; 1000 Genomes Project 0.00020; 1000 Genomes Project 30x 0.00047; TOPMed 0.00063.
gnomAD v4.1: 137 of 1,253,410 alleles (0.011%); highest among the groups gnomAD compares: African/African-American, 0.2%; no homozygotes.

Submission:

Center for Genomics, Ann and Robert H. Lurie Children's Hospital of Chicago
Classification: Uncertain significance for Blood group, Indian system. Last evaluated: 2021-03-30. Review status: criteria provided, single submitter. Criteria: ACMG Guidelines, 2015. Collection method: clinical testing. Allele origin: germline.
Comment: CD44 NM_001202557 exon 9 c.882-10G>A: This variant has not been reported in the literature but is present in 25/15040 African alleles in the Genome Aggregation Database. Evolutionary conservation and computational predictive tools for this variant are limited or unavailable. This variant is an intronic variant with no predicted change in the amino acid sequence but may have an unknown effect on splicing. Further studies are needed to understand its impact. In summary, data on this variant is insufficient for disease classification. Therefore, the clinical significance of this variant is uncertain.